The following is an entry in ClinVar:

NM_007294.4(BRCA1):c.4987-1331_5152+2del

Gene: BRCA1 (BRCA1 DNA repair associated; minus strand). Cytogenetic location: 17q21.31.
Variant type: Deletion.
Coding change: c.4987-1331_5152+2del on transcript NM_007294.4 (MANE Select); 1331 bases into the intron before coding-DNA position 4987 through the canonical splice donor site of the intron after coding-DNA position 5152, 5,155 bases deleted.
Molecular consequence: splice acceptor variant, splice donor variant.
Genome position (GRCh38, 1-based): chr17:43,063,872-43,069,026, 5,155 bases deleted. GRCh37 (hg19): chr17:41,215,889-41,221,043.
Other names: c.1552-1331_1717+2del (NM_001408435.1, NM_001408444.1, NM_001408438.1 and 10 more transcripts); c.4840-1331_5005+2del (NM_001407850.1, NM_001407844.1, NM_001407851.1 and 12 more transcripts); c.4843-1331_5008+2del (NM_001407752.1, NM_001407944.1, NM_001407734.1 and 21 more transcripts); c.4855-1331_5020+2del (NM_001407691.1, NM_001407690.1); c.4858-1331_5023+2del (NM_001407685.1, NM_001407688.1, NM_001407682.1 and 6 more transcripts); c.4846-1331_5011+2del (NM_001407730.1, NM_001407692.1, NM_001407729.1 and 13 more transcripts); c.4861-1331_5026+2del (NM_001407940.1, NM_001407671.1, NM_001407676.1 and 10 more transcripts); c.4717-1331_4882+2del (NM_001407934.1, NM_001407935.1, NM_001407936.1); and 73 more.
Identifiers: ClinVar variation 1050253 (VCV001050253.2), ClinGen allele CA2499224378.

ClinVar aggregate classification (germline): Pathogenic (0 of 4 stars; one submission).

Conditions:
Malignant tumor of breast. Also called: Malignant breast neoplasm; Cancer breast. Identifiers: MedGen C0006142, MONDO:0007254. Disease mechanism: loss of function.

Submission:

Department of Pathology and Laboratory Medicine, Sinai Health System
Classification: Pathogenic for Malignant tumor of breast. Review status: no assertion criteria provided. Collection method: clinical testing. Allele origin: unknown. Affected: yes. Study: The Canadian Open Genetics Repository (COGR).
Comment: The BRCA1 c.1-?_5152+?del variant (chr:17 g.41215891_41276113del GRCh37) results in a deletion of exons 2-18, although the precise breakpoints of this deletion were not determined nor were the effects of this variant on the resulting mRNA or protein product. The BRCA1 c.1-?_5152+?del variant was not identified in the literature nor was it identified in the dbSNP, ClinVar, LOVD 3.0, or UMD-LSDB databases. The variant was not identified in the following control databases: the Exome Aggregation Consortium (August 8th 2016) or the Genome Aggregation Database (Feb 27, 2017). This alteration is predicted to result in a truncated or absent protein and loss of function. Loss of function variants of the BRCA1 gene are an established mechanism of disease in hereditary breast and ovarian cancer and is the type of variant expected to cause the disorder. In summary, based on the above information, this variant meets our laboratoryâ€šÃ„Ã´s criteria to be classified as pathogenic.